The following is an entry in ClinVar:

ClinVar aggregate classification (germline): Uncertain significance (1 of 4 stars; one submission).

Conditions:
Congenital glaucoma. Identifiers: MedGen C0020302, MONDO:0020366.

Submission:

Labcorp Genetics (formerly Invitae), Labcorp
Classification: Uncertain significance for Congenital glaucoma. Last evaluated: 2025-09-03. Review status: criteria provided, single submitter. Criteria: Invitae Variant Classification Sherloc (09022015). Collection method: clinical testing. Allele origin: germline.
Comment: This sequence change replaces asparagine, which is neutral and polar, with lysine, which is basic and polar, at codon 439 of the CYP1B1 protein (p.Asn439Lys). This variant is not present in population databases (gnomAD no frequency). This variant has not been reported in the literature in individuals affected with CYP1B1-related conditions. Invitae Evidence Modeling of protein sequence and biophysical properties (such as structural, functional, and spatial information, amino acid conservation, physicochemical variation, residue mobility, and thermodynamic stability) has been performed for this missense variant. However, the output from this modeling did not meet the statistical confidence thresholds required to predict the impact of this variant on CYP1B1 protein function. In summary, the available evidence is currently insufficient to determine the role of this variant in disease. Therefore, it has been classified as a Variant of Uncertain Significance.

NM_000104.4(CYP1B1):c.1317C>G (p.Asn439Lys)

Genes: CYP1B1 (cytochrome P450 family 1 subfamily B member 1; minus strand), LOC128772254 (melanoma risk locus-associated MPRA allelic enhancer 2:38298139; plus strand). Cytogenetic location: 2p22.2.
Variant type: single nucleotide variant.
Coding change: c.1317C>G on transcript NM_000104.4 (MANE Select); coding-DNA position 1317, C replaced by G.
Protein change: p.Asn439Lys; replaces asparagine 439 with lysine.
Molecular consequence: missense variant.
Genome position (GRCh38, 1-based): chr2:38,071,037, G>C on the plus strand (C>G on the coding strand, the complement: CYP1B1 is on the minus strand). VCF-style: chr2-38071037-G-C. GRCh37 (hg19) VCF-style: chr2-38298180-G-C.
Other names: short protein forms N439K.
Identifiers: ClinVar variation 4798879 (VCV004798879.1).